The following is an entry in ClinVar:

ClinVar aggregate classification (germline): Conflicting classifications of pathogenicity. Review status: criteria provided, conflicting classifications (1 of 4 stars). 4 submissions from 4 submitters: Uncertain significance (2); Likely benign (2). Last evaluated 2024-12-28.

Conditions:
Malignant hyperthermia, susceptibility to, 1 (MHS1). Also called: RYR1-Related Malignant Hyperthermia Susceptibility; Anesthesia related hyperthermia; Malignant hyperpyrexia; Fulminating hyperpyrexia; Pharmacogenic myopathy; Malignant hyperthermia suceptibility 1. Identifiers: Orphanet 423, MedGen C2930980, MONDO:0007783, OMIM 145600.
Congenital myopathy with fiber type disproportion. Also called: Congenital fiber-type disproportion myopathy; Congenital fiber-type disproportion. Identifiers: Orphanet 2020, MedGen C0546264, MONDO:0009711. Inheritance: all.
Central core myopathy (CMYO1A). Also called: CONGENITAL MYOPATHY 1A, AUTOSOMAL DOMINANT, WITH SUSCEPTIBILITY TO MALIGNANT HYPERTHERMIA; Central core disease; Myopathy, central fibrillar. Identifiers: Orphanet 597, MedGen C5830701, MONDO:0007294, OMIM 117000.
Congenital multicore myopathy with external ophthalmoplegia (CMYO1B). Also called: Minicore myopathy with external ophthalmoplegia; MULTIMINICORE DISEASE WITH EXTERNAL OPHTHALMOPLEGIA; MULTICORE MYOPATHY; Congenital myopathy 1B, autosomal recessive; Minicore myopathy. Identifiers: Orphanet 598, Orphanet 98905, MedGen C1850674, MONDO:0009712, OMIM 255320, HP:0003789.
King Denborough syndrome (KDS). Identifiers: MedGen C1840365, MONDO:0020485, OMIM 619542.
RYR1-related disorder. Also called: RYR1-related disorders; RYR1-related condition. Identifiers: MedGen CN239331.

Allele frequency attached by ClinVar (database versions not stated): ExAC 0.00003; gnomAD exomes 0.00003; TOPMed 0.00004; gnomAD 0.00005 and 0.00006; ESP Exome Variant Server 0.00008.
gnomAD v4.1: 53 of 1,613,572 alleles (0.0033%); highest among the groups gnomAD compares: African/African-American, 0.008%; no homozygotes.

Submissions (4):

Labcorp Genetics (formerly Invitae), Labcorp
Classification: Uncertain significance for RYR1-related disorder. Last evaluated: 2024-12-28. Review status: criteria provided, single submitter. Criteria: Invitae Variant Classification Sherloc (09022015). Collection method: clinical testing. Allele origin: germline.
Comment: This sequence change affects codon 3449 of the RYR1 mRNA. It is a 'silent' change, meaning that it does not change the encoded amino acid sequence of the RYR1 protein. It affects a nucleotide within the consensus splice site. This variant is present in population databases (rs373702420, gnomAD 0.02%). This variant has not been reported in the literature in individuals affected with RYR1-related conditions. ClinVar contains an entry for this variant (Variation ID: 1061038). Algorithms developed to predict the effect of sequence changes on RNA splicing suggest that this variant is not likely to affect RNA splicing. In summary, the available evidence is currently insufficient to determine the role of this variant in disease. Therefore, it has been classified as a Variant of Uncertain Significance.

All of Us Research Program, National Institutes of Health
Classification: Likely benign for Malignant hyperthermia, susceptibility to, 1. Last evaluated: 2023-12-13. Review status: criteria provided, single submitter. Criteria: ACMG Guidelines, 2015. Collection method: clinical testing. Allele origin: germline. Inheritance: Autosomal dominant inheritance. Observed: 11 variant alleles, 11 heterozygotes.
Comment: This study involves interpretation of variants in research participants for the purpose of population health screening. Participant phenotype was not available at the time of variant classification. Additional details can be found in publication PMID: 35346344, PMCID: PMC8962531

Color Diagnostics, LLC DBA Color Health
Classification: Likely benign for Malignant hyperthermia, susceptibility to, 1. Last evaluated: 2022-11-06. Review status: criteria provided, single submitter. Criteria: ACMG Guidelines, 2015. Collection method: clinical testing. Allele origin: germline.

Fulgent Genetics
Classification: Uncertain significance for Central core myopathy; Malignant hyperthermia, susceptibility to, 1; Congenital myopathy 4A, autosomal dominant; Congenital multicore myopathy with external ophthalmoplegia; King Denborough syndrome. Last evaluated: 2021-10-21. Review status: criteria provided, single submitter. Criteria: ACMG Guidelines, 2015. Collection method: clinical testing. Allele origin: unknown.

NM_000540.3(RYR1):c.10347C>T (p.His3449=)

Gene: RYR1 (ryanodine receptor 1; plus strand). Cytogenetic location: 19q13.2.
Variant type: single nucleotide variant.
Coding change: c.10347C>T on transcript NM_000540.3 (MANE Select); coding-DNA position 10347, C replaced by T.
Protein change: p.His3449=; no amino-acid change (histidine 3449 retained).
Molecular consequence: synonymous variant.
Genome position (GRCh38, 1-based): chr19:38,523,115, C>T. VCF-style: chr19-38523115-C-T. GRCh37 (hg19) VCF-style: chr19-39013755-C-T.
Other names: c.10347C>T, p.His3449= (NM_001042723.2).
Identifiers: ClinVar variation 1061038 (VCV001061038.7), dbSNP rs373702420, ClinGen allele CA053217.